The following is an entry in ClinVar:

ClinVar aggregate classification (germline): Uncertain significance. Review status: criteria provided, multiple submitters, no conflicts (2 of 4 stars). 2 submissions from 2 submitters: Uncertain significance (2). Last evaluated 2022-01-02.

Allele frequency attached by ClinVar (database versions not stated): gnomAD exomes below 0.00001 and 0.00001; ExAC 0.00001.
gnomAD v4.1: 2 of 1,211,070 alleles (0.00017%); highest among the groups gnomAD compares: Non-Finnish European, 0.00022%; no homozygotes.

Submissions (2):

Labcorp Genetics (formerly Invitae), Labcorp
Classification: Uncertain significance. Last evaluated: 2022-01-02. Review status: criteria provided, single submitter. Criteria: Invitae Variant Classification Sherloc (09022015). Collection method: clinical testing. Allele origin: germline.
Comment: In summary, the available evidence is currently insufficient to determine the role of this variant in disease. Therefore, it has been classified as a Variant of Uncertain Significance. Algorithms developed to predict the effect of missense changes on protein structure and function (SIFT, PolyPhen-2, Align-GVGD) all suggest that this variant is likely to be tolerated. ClinVar contains an entry for this variant (Variation ID: 434772). This variant has not been reported in the literature in individuals affected with CLCN4-related conditions. This variant is present in population databases (rs752631287, gnomAD 0.008%). This sequence change replaces arginine, which is basic and polar, with glutamine, which is neutral and polar, at codon 432 of the CLCN4 protein (p.Arg432Gln).

Genetic Services Laboratory, University of Chicago
Classification: Uncertain significance. Last evaluated: 2017-03-14. Review status: criteria provided, single submitter. Criteria: ACMG Guidelines, 2015. Collection method: clinical testing. Allele origin: germline. Affected: no.

NM_001830.4(CLCN4):c.1295G>A (p.Arg432Gln)

Gene: CLCN4 (chloride voltage-gated channel 4; plus strand). Cytogenetic location: Xp22.2.
Variant type: single nucleotide variant.
Coding change: c.1295G>A on transcript NM_001830.4 (MANE Select); coding-DNA position 1295, G replaced by A.
Protein change: p.Arg432Gln; replaces arginine 432 with glutamine.
Molecular consequence: missense variant.
Genome position (GRCh38, 1-based): chrX:10,208,496, G>A. VCF-style: chrX-10208496-G-A. GRCh37 (hg19) VCF-style: chrX-10176536-G-A.
Other names: c.1013G>A, p.Arg338Gln (NM_001256944.2); short protein forms R432Q, R338Q.
Identifiers: ClinVar variation 434772 (VCV000434772.10), dbSNP rs752631287, ClinGen allele CA10347198.